The following is an entry in ClinVar:

NM_004304.5(ALK):c.3872T>C (p.Leu1291Pro)

Gene: ALK (ALK receptor tyrosine kinase; minus strand). Cytogenetic location: 2p23.2.
Variant type: single nucleotide variant.
Coding change: c.3872T>C on transcript NM_004304.5 (MANE Select); coding-DNA position 3872, T replaced by C.
Protein change: p.Leu1291Pro; replaces leucine 1291 with proline.
Molecular consequence: missense variant.
Genome position (GRCh38, 1-based): chr2:29,207,237, A>G on the plus strand (T>C on the coding strand, the complement: ALK is on the minus strand). VCF-style: chr2-29207237-A-G. GRCh37 (hg19) VCF-style: chr2-29430103-A-G.
Other names: c.668T>C, p.Leu223Pro (NM_001353765.2); short protein forms L1291P, L223P.
Identifiers: ClinVar variation 3525358 (VCV003525358.1).

ClinVar aggregate classification (germline): Uncertain significance (1 of 4 stars; one submission).

Conditions:
Hereditary cancer-predisposing syndrome. Also called: Hereditary Cancer Syndrome; Hereditary neoplastic syndrome; Tumor predisposition; Neoplastic Syndromes, Hereditary. Identifiers: Orphanet 140162, MedGen C0027672, MeSH D009386, MONDO:0015356.

Submission:

Ambry Genetics
Classification: Uncertain significance for Hereditary cancer-predisposing syndrome. Last evaluated: 2024-12-02. Review status: criteria provided, single submitter. Criteria: Ambry Variant Classification Scheme 2023. Collection method: clinical testing. Allele origin: germline.
Comment: The p.L1291P variant (also known as c.3872T>C), located in coding exon 26 of the ALK gene, results from a T to C substitution at nucleotide position 3872. The leucine at codon 1291 is replaced by proline, an amino acid with similar properties. This amino acid position is conserved. In addition, this alteration is predicted to be deleterious by in silico analysis. Based on the available evidence, the clinical significance of this variant remains unclear.